The following is an entry in ClinVar:

NM_012144.4(DNAI1):c.180+2T>G

Gene: DNAI1 (dynein axonemal intermediate chain 1; plus strand). Cytogenetic location: 9p13.3.
Variant type: single nucleotide variant.
Coding change: c.180+2T>G on transcript NM_012144.4 (MANE Select); the canonical splice donor site of the intron after coding-DNA position 180, T replaced by G.
Molecular consequence: splice donor variant.
Genome position (GRCh38, 1-based): chr9:34,485,242, T>G. VCF-style: chr9-34485242-T-G. GRCh37 (hg19) VCF-style: chr9-34485240-T-G.
Other names: c.180+2T>G (NM_001281428.2).
Identifiers: ClinVar variation 643811 (VCV000643811.7), dbSNP rs1587067513, ClinGen allele CA373242263.

ClinVar aggregate classification (germline): Likely pathogenic (1 of 4 stars; one submission).

Conditions:
Primary ciliary dyskinesia. Also called: Ciliary dyskinesia. Identifiers: Orphanet 244, MedGen C0008780, MONDO:0016575, HP:0012265.

Submission:

Labcorp Genetics (formerly Invitae), Labcorp
Classification: Likely pathogenic for Primary ciliary dyskinesia. Last evaluated: 2023-12-09. Review status: criteria provided, single submitter. Criteria: Invitae Variant Classification Sherloc (09022015). Collection method: clinical testing. Allele origin: germline.
Comment: This sequence change affects a donor splice site in intron 3 of the DNAI1 gene. It is expected to disrupt RNA splicing. Variants that disrupt the donor or acceptor splice site typically lead to a loss of protein function (PMID: 16199547), and loss-of-function variants in DNAI1 are known to be pathogenic (PMID: 16858015, 29363216). This variant is not present in population databases (gnomAD no frequency). This variant has not been reported in the literature in individuals affected with DNAI1-related conditions. ClinVar contains an entry for this variant (Variation ID: 643811). Algorithms developed to predict the effect of sequence changes on RNA splicing suggest that this variant may disrupt the consensus splice site. In summary, the currently available evidence indicates that the variant is pathogenic, but additional data are needed to prove that conclusively. Therefore, this variant has been classified as Likely Pathogenic.

Literature cited by the submitters: PubMed 16199547; PubMed 16858015; PubMed 29363216.